The following is an entry in ClinVar:

NC_000003.11:g.(?_158362414)_(158409266_?)del

Genes: GFM1 (G elongation factor mitochondrial 1; plus strand), LXN (latexin; minus strand). Cytogenetic location: 3q25.32.
Variant type: Deletion.
Identifiers: ClinVar variation 1070155 (VCV001070155.5).

ClinVar aggregate classification (germline): Pathogenic (1 of 4 stars; one submission).

Submission:

Labcorp Genetics (formerly Invitae), Labcorp
Classification: Pathogenic. Last evaluated: 2022-02-19. Review status: criteria provided, single submitter. Criteria: Invitae Variant Classification Sherloc (09022015). Collection method: clinical testing. Allele origin: germline.
Comment: A gross deletion of the genomic region encompassing the full coding sequence of the GFM1 gene has been identified. Loss-of-function variants in GFM1 are known to be pathogenic (PMID: 16632485, 17160893). The boundaries of this event are unknown as they extend beyond the assayed region for this gene and therefore may encompass additional genes. This variant has not been reported in the literature in individuals affected with GFM1-related conditions. For these reasons, this variant has been classified as Pathogenic.

Literature cited by the submitters: PubMed 16632485; PubMed 17160893.